The following is an entry in ClinVar:

ClinVar aggregate classification (germline): Uncertain significance (1 of 4 stars; one submission).

Conditions:
Intellectual developmental disorder, autosomal dominant 65. Also called: MENTAL RETARDATION, AUTOSOMAL DOMINANT 65. Identifiers: MedGen C5543371, MONDO:0023657, OMIM 619320.

Submission:

Illumina Laboratory Services, Illumina
Classification: Uncertain significance for Intellectual developmental disorder, autosomal dominant 65. Last evaluated: 2022-02-16. Review status: criteria provided, single submitter. Criteria: ICSLVariantClassificationCriteria RUGD 01 April 2020. Collection method: clinical testing. Allele origin: unknown.
Comment: The KDM4B c.2464A>G (p.Ile822Val) missense variant results in the substitution of isoleucine at amino acid position 822 with valine. To our knowledge, this variant has not been reported in the peer-reviewed literature. This variant is not found in version 2.1.1 or version 3.1.2 of the Genome Aggregation Database. Based on the available evidence, the c.2464A>G (p.Ile822Val) variant is classified as a variant of uncertain significance for KDM4B-related neurodevelopmental disorder.

NM_015015.3(KDM4B):c.2464A>G (p.Ile822Val)

Gene: KDM4B (lysine demethylase 4B; plus strand). Cytogenetic location: 19p13.3.
Variant type: single nucleotide variant.
Coding change: c.2464A>G on transcript NM_015015.3 (MANE Select); coding-DNA position 2464, A replaced by G.
Protein change: p.Ile822Val; replaces isoleucine 822 with valine.
Molecular consequence: missense variant.
Genome position (GRCh38, 1-based): chr19:5,137,984, A>G. VCF-style: chr19-5137984-A-G. GRCh37 (hg19) VCF-style: chr19-5137995-A-G.
Other names: short protein forms I822V.
Identifiers: ClinVar variation 1693289 (VCV001693289.3), dbSNP rs2146082605, ClinGen allele CA403504595.